The following is an entry in ClinVar:

ClinVar aggregate classification (germline): Uncertain significance (1 of 4 stars; one submission).

Conditions:
Severe combined immunodeficiency due to DNA-PKcs deficiency. Also called: Immunodeficiency 26 with or without neurologic abnormalities; IMMUNODEFICIENCY 26 WITH NEUROLOGIC ABNORMALITIES. Identifiers: Orphanet 317425, MedGen C4014833, MONDO:0014423, OMIM 615966.

Submission:

Labcorp Genetics (formerly Invitae), Labcorp
Classification: Uncertain significance for Severe combined immunodeficiency due to DNA-PKcs deficiency. Last evaluated: 2023-08-17. Review status: criteria provided, single submitter. Criteria: Invitae Variant Classification Sherloc (09022015). Collection method: clinical testing. Allele origin: germline.
Comment: This sequence change replaces methionine, which is neutral and non-polar, with leucine, which is neutral and non-polar, at codon 4128 of the PRKDC protein (p.Met4128Leu). This variant is not present in population databases (gnomAD no frequency). This variant has not been reported in the literature in individuals affected with PRKDC-related conditions. ClinVar contains an entry for this variant (Variation ID: 2051824). Advanced modeling of protein sequence and biophysical properties (such as structural, functional, and spatial information, amino acid conservation, physicochemical variation, residue mobility, and thermodynamic stability) performed at Invitae indicates that this missense variant is not expected to disrupt PRKDC protein function. In summary, the available evidence is currently insufficient to determine the role of this variant in disease. Therefore, it has been classified as a Variant of Uncertain Significance.

NM_006904.7(PRKDC):c.12382A>C (p.Met4128Leu)

Gene: PRKDC (protein kinase, DNA-activated, catalytic subunit; minus strand). Cytogenetic location: 8q11.21.
Variant type: single nucleotide variant.
Coding change: c.12382A>C on transcript NM_006904.7 (MANE Select); coding-DNA position 12382, A replaced by C.
Protein change: p.Met4128Leu; replaces methionine 4128 with leucine.
Molecular consequence: missense variant.
Genome position (GRCh38, 1-based): chr8:47,774,178, T>G on the plus strand (A>C on the coding strand, the complement: PRKDC is on the minus strand). VCF-style: chr8-47774178-T-G. GRCh37 (hg19) VCF-style: chr8-48686739-T-G.
Other names: c.12289A>C, p.Met4097Leu (NM_001081640.2); short protein forms M4097L, M4128L.
Identifiers: ClinVar variation 2051824 (VCV002051824.4), dbSNP rs2551859111, ClinGen allele CA371126437.